The following is an entry in ClinVar:

ClinVar aggregate classification (germline): Likely benign (1 of 4 stars; one submission).

Conditions:
Hereditary diffuse gastric adenocarcinoma (HDGC). Also called: DIFFUSE GASTRIC AND LOBULAR BREAST CANCER SYNDROME. Identifiers: Orphanet 26106, MedGen C1708349, MONDO:0007648, OMIM 137215.

Submission:

Myriad Genetics, Inc.
Classification: Likely benign for Hereditary diffuse gastric adenocarcinoma. Last evaluated: 2024-09-12. Review status: criteria provided, single submitter. Criteria: Myriad Autosomal Dominant, Autosomal Recessive and X-Linked Classification Criteria (2023). Collection method: clinical testing. Allele origin: unknown.
Comment: This variant is considered likely benign. This variant is intronic and is not expected to impact mRNA splicing.

NM_004360.5(CDH1):c.164-14T>C

Gene: CDH1 (cadherin 1; plus strand). Cytogenetic location: 16q22.1.
Variant type: single nucleotide variant.
Coding change: c.164-14T>C on transcript NM_004360.5 (MANE Select); 14 bases into the intron before coding-DNA position 164, T replaced by C.
Molecular consequence: intron variant.
Genome position (GRCh38, 1-based): chr16:68,801,656, T>C. VCF-style: chr16-68801656-T-C. GRCh37 (hg19) VCF-style: chr16-68835559-T-C.
Other names: c.-1452-14T>C (NM_001317185.2); c.-1656-14T>C (NM_001317186.2); c.164-14T>C (NM_001317184.2).
Identifiers: ClinVar variation 3378432 (VCV003378432.1).